The following is an entry in ClinVar:

ClinVar aggregate classification (germline): Pathogenic. Review status: criteria provided, multiple submitters, no conflicts (2 of 4 stars). 9 submissions from 9 submitters: Pathogenic (9). Last evaluated 2026-06-01.

Conditions:
Carnitine deficiency. Identifiers: MedGen C1142132.
Renal carnitine transport defect (CDSP). Also called: Systemic primary carnitine deficiency disease; Primary carnitine deficiency; CARNITINE DEFICIENCY, SYSTEMIC, DUE TO DEFECT IN RENAL REABSORPTION OF CARNITINE; CARNITINE TRANSPORTER, PLASMA-MEMBRANE, DEFICIENCY OF; CARNITINE UPTAKE DEFECT; Systemic primary carnitine deficiency. Identifiers: Orphanet 158, MedGen C0342788, MONDO:0008919, OMIM 212140.

Allele frequency attached by ClinVar (database versions not stated): gnomAD exomes 0.00001 and 0.00002; TOPMed 0.00001.

Submissions (9):

CeGaT Center for Human Genetics Tuebingen
Classification: Pathogenic. Last evaluated: 2026-06-01. Review status: criteria provided, single submitter. Criteria: CeGaT Center For Human Genetics Tuebingen Variant Classification Criteria Version 2. Collection method: clinical testing. Allele origin: germline. Affected: yes. Observed: 1 variant allele.
Comment: SLC22A5: PVS1, PM3:Strong, PM2

3billion
Classification: Pathogenic for Renal carnitine transport defect. Last evaluated: 2025-12-22. Review status: criteria provided, single submitter. Criteria: ACMG Guidelines, 2015. Collection method: clinical testing. Allele origin: germline. Affected: yes.
Comment: The variant is observed at an extremely low frequency in the gnomAD v4.1.0 dataset (total allele frequency: 0.002%). Predicted Consequence/Location: Canonical splice site: predicted to alter splicing and result in a loss or disruption of normal protein function. Multiple pathogenic loss-of-function variants are reported downstream of the variant. In silico tools predict the variant to alter splicing and produce an abnormal transcript [SpliceAI: 0.93 (spliceogenicity >=0.2, non-spliceogenicity <0.1)]. The variant has been reported at least twice as pathogenic with clinical assertions and evidence for the classification (ClinVar ID: VCV000025381 /PMID: 12210323). Therefore, this variant is classified as Pathogenic according to the recommendation of ACMG/AMP guideline.

Labcorp Genetics (formerly Invitae), Labcorp
Classification: Pathogenic for Renal carnitine transport defect. Last evaluated: 2025-12-12. Review status: criteria provided, single submitter. Criteria: Invitae Variant Classification Sherloc (09022015). Collection method: clinical testing. Allele origin: germline.
Comment: This sequence change affects a donor splice site in intron 3 of the SLC22A5 gene. It is expected to disrupt RNA splicing. Variants that disrupt the donor or acceptor splice site typically lead to a loss of protein function (PMID: 16199547), and loss-of-function variants in SLC22A5 are known to be pathogenic (PMID: 9916797). This variant is present in population databases (rs386134200, gnomAD 0.003%). Disruption of this splice site has been observed in individuals with primary carnitine deficiency (PMID: 12210323). ClinVar contains an entry for this variant (Variation ID: 25381). Algorithms developed to predict the effect of variants on gene product structure and function are not available or were not evaluated for this variant. Experimental studies have shown that disruption of this splice site affects SLC22A5 function (PMID: 2235122, 12210323). Algorithms developed to predict the effect of sequence changes on RNA splicing suggest that this variant may disrupt the consensus splice site. For these reasons, this variant has been classified as Pathogenic.

Natera, Inc.
Classification: Pathogenic for Carnitine deficiency. Last evaluated: 2024-08-23. Review status: criteria provided, single submitter. Criteria: Natera Variant Classification Schema (03/2026). Collection method: clinical testing. Allele origin: germline.
Comment: The c.652+1G>A variant in SLC22A5 is a canonical splice donor site variant predicted to affect pre-mRNA splicing, which may result in an abnormal transcript and altered protein product. This variant is expected to result in nonsense mediated decay, truncation, or a dysfunctional protein product. This variant is rare in the general population with a frequency below the threshold expected for the associated phenotype(s). This variant has been observed in one or more individuals affected with the associated recessive disease, as either homozygous or compound heterozygous with a second variant (PMID: 12210323, 20074989). Given the available evidence, this variant is classified as Pathogenic.

GeneDx
Classification: Pathogenic. Last evaluated: 2023-09-19. Review status: criteria provided, single submitter. Criteria: GeneDx Variant Classification Process June 2021. Collection method: clinical testing. Allele origin: germline. Affected: yes.
Comment: Canonical splice site variant predicted to result in a null allele in a gene for which loss of function is a known mechanism of disease; Not observed at significant frequency in large population cohorts (gnomAD); This variant is associated with the following publications: (PMID: 25525159, 26828774, 28841266, 16602102, 17703373, 12210323)

Fulgent Genetics
Classification: Pathogenic for Renal carnitine transport defect. Last evaluated: 2022-03-16. Review status: criteria provided, single submitter. Criteria: ACMG Guidelines, 2015. Collection method: clinical testing. Allele origin: unknown.

Genome-Nilou Lab
Classification: Pathogenic for Renal carnitine transport defect. Last evaluated: 2021-07-15. Review status: criteria provided, single submitter. Criteria: ACMG Guidelines, 2015. Collection method: clinical testing. Allele origin: germline. Affected: no.

Women's Health and Genetics/Laboratory Corporation of America, LabCorp
Classification: Pathogenic for Renal carnitine transport defect. Last evaluated: 2019-06-06. Review status: criteria provided, single submitter. Criteria: LabCorp Variant Classification Summary - May 2015. Collection method: clinical testing. Allele origin: germline.
Comment: Variant summary: SLC22A5 c.652+1G>A is located in a canonical splice-site and is predicted to affect mRNA splicing resulting in a significantly altered protein due to either exon skipping, shortening, or inclusion of intronic material. Several computational tools predict a significant impact on normal splicing: Four predict the variant abolishes a 5' splicing donor site. However, these predictions have yet to be confirmed by functional studies. The variant allele was found at a frequency of 1.2e-05 in 251494 control chromosomes (gnomAD). c.652+1G>A has been reported in the literature in individuals affected with Systemic Primary Carnitine Deficiency (Lamhonwah_2002, Hwu_2007, Frigeni_2017). These data indicate that the variant may be associated with disease. Two compound heterozygote patients were found to have significantly lower carnitine uptake/levels (Lamhonwah_2002, Hwu_2007). Two ClinVar submissions from clinical diagnostic laboratories (evaluation after 2014) cite the variant as pathogenic. Based on the evidence outlined above, the variant was classified as pathogenic.

Juno Genomics, Hangzhou Juno Genomics, Inc
Classification: Pathogenic for Renal carnitine transport defect. Review status: criteria provided, single submitter. Criteria: ACMG Guidelines, 2015. Collection method: clinical testing. Allele origin: germline.
Comment: Absent from controls (or at extremely low frequency if recessive) in Genome Aggregation Database.;Null variant in a gene where loss of function (LOF) is a known mechanism of disease.;For recessive disorders, detected in trans with a pathogenic variant.;Patient's phenotype or family history is highly specific for a disease with a single genetic etiology.

Literature cited by the submitters: PubMed 12210323 (cited by 4 submitters); PubMed 16199547 (cited by Labcorp Genetics (formerly Invitae), Labcorp); PubMed 9916797 (cited by Labcorp Genetics (formerly Invitae), Labcorp); PubMed 2235122 (cited by Labcorp Genetics (formerly Invitae), Labcorp); PubMed 20074989 (cited by Natera, Inc.); PubMed 28841266 (cited by Women's Health and Genetics/Laboratory Corporation of America, LabCorp); PubMed 17703373 (cited by Women's Health and Genetics/Laboratory Corporation of America, LabCorp).

NM_003060.4(SLC22A5):c.652+1G>A

Gene: SLC22A5 (solute carrier family 22 member 5; plus strand). Cytogenetic location: 5q31.1.
Variant type: single nucleotide variant.
Coding change: c.652+1G>A on transcript NM_003060.4 (MANE Select); the canonical splice donor site of the intron after coding-DNA position 652, G replaced by A.
Molecular consequence: splice donor variant.
Genome position (GRCh38, 1-based): chr5:132,384,302, G>A. VCF-style: chr5-132384302-G-A. GRCh37 (hg19) VCF-style: chr5-131719994-G-A.
Other names: c.724+1G>A (NM_001308122.2).
Identifiers: ClinVar variation 25381 (VCV000025381.28), dbSNP rs386134200, ClinGen allele CA342640.
Genomic context (GRCh38, chr5:132,384,302, plus strand): 5'-TGCTGTTTGTCCTTGTAGGCATGGGCCAGATCTCCAACTATGTGGCAGCATTTGTCCTGG[G>A]TATGGCCATCAGGTTGGAGTTGAGTACTTGATCCTGTATTTCACCATCATCCCATCACCT-3'